The following is an entry in ClinVar:

ClinVar aggregate classification (germline): Uncertain significance (1 of 4 stars; one submission).

Submission:

GeneDx
Classification: Uncertain significance. Last evaluated: 2023-05-04. Review status: criteria provided, single submitter. Criteria: GeneDx Variant Classification Process June 2021. Collection method: clinical testing. Allele origin: germline. Affected: yes.
Comment: Not observed at significant frequency in large population cohorts (gnomAD); In silico analysis supports that this missense variant has a deleterious effect on protein structure/function; Has not been previously published as pathogenic or benign to our knowledge; This variant is associated with the following publications: (PMID: 26100331, 25609763, 25512093)

NM_001376.5(DYNC1H1):c.4929C>G (p.Asn1643Lys)

Gene: DYNC1H1 (dynein cytoplasmic 1 heavy chain 1; plus strand). Cytogenetic location: 14q32.31.
Variant type: single nucleotide variant.
Coding change: c.4929C>G on transcript NM_001376.5 (MANE Select); coding-DNA position 4929, C replaced by G.
Protein change: p.Asn1643Lys; replaces asparagine 1643 with lysine.
Molecular consequence: missense variant.
Genome position (GRCh38, 1-based): chr14:102,004,563, C>G. VCF-style: chr14-102004563-C-G. GRCh37 (hg19) VCF-style: chr14-102470900-C-G.
Other names: short protein forms N1643K.
Identifiers: ClinVar variation 2663384 (VCV002663384.1), dbSNP rs2503738189, ClinGen allele CA391044974.
Genomic context (GRCh38, chr14:102,004,563, plus strand): 5'-TTATTTTAATTTTAGGTTCTATTTTGTGGGTGATGAAGATTTGCTTGAAATCATTGGAAA[C>G]AGCAAGAATGTCGCTAAATTACAGAAACACTTCAAGAAGATGTTTGCTGGAGTTTCGAGC-3'
Protein context (NP_001367.2, residues 1633-1653): GDEDLLEIIG[Asn1643Lys]SKNVAKLQKH